The following is an entry in ClinVar:

NM_000395.3(CSF2RB):c.2608G>A (p.Val870Ile)

Gene: CSF2RB (colony stimulating factor 2 receptor subunit beta; plus strand). Cytogenetic location: 22q12.3.
Variant type: single nucleotide variant.
Coding change: c.2608G>A on transcript NM_000395.3 (MANE Select); coding-DNA position 2608, G replaced by A.
Protein change: p.Val870Ile; replaces valine 870 with isoleucine.
Molecular consequence: missense variant.
Genome position (GRCh38, 1-based): chr22:36,938,416, G>A. VCF-style: chr22-36938416-G-A. GRCh37 (hg19) VCF-style: chr22-37334458-G-A.
Other names: short protein forms V870I.
Identifiers: ClinVar variation 667227 (VCV000667227.15), dbSNP rs149281832, ClinGen allele CA10214164.

ClinVar aggregate classification (germline): Uncertain significance. Review status: criteria provided, multiple submitters, no conflicts (2 of 4 stars). 4 submissions from 4 submitters: Uncertain significance (4). Last evaluated 2025-11-27.

Conditions:
Inborn genetic diseases. Identifiers: MedGen C0950123, MeSH D030342.

Allele frequency attached by ClinVar (database versions not stated): gnomAD exomes 0.00004 and 0.00010; ExAC 0.00011; 1000 Genomes Project 0.00020; 1000 Genomes Project 30x 0.00031; TOPMed 0.00033; gnomAD 0.00034; ESP Exome Variant Server 0.00046.

Submissions (4):

Labcorp Genetics (formerly Invitae), Labcorp
Classification: Uncertain significance. Last evaluated: 2025-11-27. Review status: criteria provided, single submitter. Criteria: Invitae Variant Classification Sherloc (09022015). Collection method: clinical testing. Allele origin: germline.
Comment: This sequence change replaces valine, which is neutral and non-polar, with isoleucine, which is neutral and non-polar, at codon 870 of the CSF2RB protein (p.Val870Ile). This variant is present in population databases (rs149281832, gnomAD 0.07%), and has an allele count higher than expected for a pathogenic variant. This variant has not been reported in the literature in individuals affected with CSF2RB-related conditions. ClinVar contains an entry for this variant (Variation ID: 667227). An algorithm developed to predict the effect of missense changes on protein structure and function (PolyPhen-2) suggests that this variant is likely to be tolerated. In summary, the available evidence is currently insufficient to determine the role of this variant in disease. Therefore, it has been classified as a Variant of Uncertain Significance.

Ambry Genetics
Classification: Uncertain significance for Inborn genetic diseases. Last evaluated: 2024-05-30. Review status: criteria provided, single submitter. Criteria: Ambry Variant Classification Scheme 2023. Collection method: clinical testing. Allele origin: germline.

Laboratory for Molecular Medicine, Mass General Brigham Personalized Medicine
Classification: Uncertain significance. Last evaluated: 2018-12-31. Review status: criteria provided, single submitter. Criteria: LMM Criteria. Collection method: clinical testing. Allele origin: germline. Observed: 1 variant allele.
Comment: Variant classified as Uncertain Significance - Favor Benign. The p.Val870Ile var iant in CSF2RB has not been previously reported in individuals with surfactant d ysfunction but has been identified in 0.08% (20/24966) of African chromosomes by gnomAD. Computational prediction tools and c onservation analysis suggest that this variant may not impact the protein, thoug h this information is not predictive enough to rule out pathogenicity. In summar y, the clinical significance of the p.Val870Ile variant is uncertain. ACMG/AMP C riteria applied: BP4.

Breakthrough Genomics
Classification: Uncertain significance. Review status: criteria provided, single submitter. Criteria: ACMG Guidelines, 2015. Collection method: not provided. Allele origin: germline. Inheritance: Autosomal dominant inheritance. Affected: yes.